The following is an entry in ClinVar:

ClinVar aggregate classification (germline): Likely pathogenic (1 of 4 stars; one submission).

Conditions:
SOX9-related disorder. Also called: SOX9-related condition.

Submission:

PreventionGenetics, part of Exact Sciences
Classification: Likely pathogenic for SOX9-related condition. Last evaluated: 2023-07-06. Review status: criteria provided, single submitter. Criteria: ACMG Guidelines, 2015. Collection method: clinical testing. Allele origin: germline.
Comment: The SOX9 c.790A>T variant is predicted to result in premature protein termination (p.Arg264*). To our knowledge, this variant has not been reported in the literature or in a large population database, indicating this variant is rare. Nonsense variants in SOX9 are expected to be pathogenic. This variant is interpreted as likely pathogenic.

NM_000346.4(SOX9):c.790A>T (p.Arg264Ter)

Gene: SOX9 (SRY-box transcription factor 9; plus strand). Cytogenetic location: 17q24.3.
Variant type: single nucleotide variant.
Coding change: c.790A>T on transcript NM_000346.4 (MANE Select); coding-DNA position 790, A replaced by T.
Protein change: p.Arg264Ter; replaces arginine 264 with a stop codon.
Molecular consequence: nonsense.
Genome position (GRCh38, 1-based): chr17:72,123,647, A>T. VCF-style: chr17-72123647-A-T. GRCh37 (hg19) VCF-style: chr17-70119788-A-T.
Other names: short protein forms R264*.
Identifiers: ClinVar variation 2631263 (VCV002631263.1), dbSNP rs2143251066, ClinGen allele CA400867045.